The following is an entry in ClinVar:

NM_001211.6(BUB1B):c.131C>G (p.Ala44Gly)

Gene: BUB1B (BUB1 mitotic checkpoint serine/threonine kinase B; plus strand). Cytogenetic location: 15q15.1.
Variant type: single nucleotide variant.
Coding change: c.131C>G on transcript NM_001211.6 (MANE Select); coding-DNA position 131, C replaced by G.
Protein change: p.Ala44Gly; replaces alanine 44 with glycine.
Molecular consequence: missense variant.
Genome position (GRCh38, 1-based): chr15:40,165,148, C>G. VCF-style: chr15-40165148-C-G. GRCh37 (hg19) VCF-style: chr15-40457349-C-G.
Other names: short protein forms A44G.
Identifiers: ClinVar variation 2585934 (VCV002585934.2), dbSNP rs747374746, ClinGen allele CA268764765.

ClinVar aggregate classification (germline): Uncertain significance (1 of 4 stars; one submission).

Conditions:
Inborn genetic diseases. Identifiers: MedGen C0950123, MeSH D030342.

Allele frequency attached by ClinVar (database versions not stated): gnomAD exomes below 0.00001.
gnomAD v4.1: 1 of 1,614,166 alleles (0.000062%); highest among the groups gnomAD compares: Non-Finnish European, 0.000085%; no homozygotes.

Submission:

Ambry Genetics
Classification: Uncertain significance for Inborn genetic diseases. Last evaluated: 2023-09-07. Review status: criteria provided, single submitter. Criteria: Ambry Variant Classification Scheme 2023. Collection method: clinical testing. Allele origin: germline.
Comment: The p.A44G variant (also known as c.131C>G), located in coding exon 2 of the BUB1B gene, results from a C to G substitution at nucleotide position 131. The alanine at codon 44 is replaced by glycine, an amino acid with similar properties. This amino acid position is conserved. In addition, this alteration is predicted to be tolerated by in silico analysis. Since supporting evidence is limited at this time, the clinical significance of this alteration remains unclear.